The following is an entry in ClinVar:

NM_178161.3(PTF1A):c.229G>A (p.Ala77Thr)

Gene: PTF1A (pancreas associated transcription factor 1a; plus strand). Cytogenetic location: 10p12.2.
Variant type: single nucleotide variant.
Coding change: c.229G>A on transcript NM_178161.3 (MANE Select); coding-DNA position 229, G replaced by A.
Protein change: p.Ala77Thr; replaces alanine 77 with threonine.
Molecular consequence: missense variant.
Genome position (GRCh38, 1-based): chr10:23,192,759, G>A. VCF-style: chr10-23192759-G-A. GRCh37 (hg19) VCF-style: chr10-23481688-G-A.
Other names: short protein forms A77T.
Identifiers: ClinVar variation 880489 (VCV000880489.7), dbSNP rs549685905, ClinGen allele CA5438593.

ClinVar aggregate classification (germline): Likely benign. Review status: criteria provided, multiple submitters, no conflicts (2 of 4 stars). 2 submissions from 2 submitters: Likely benign (2). Last evaluated 2026-01-11.

Conditions:
Permanent neonatal diabetes mellitus-pancreatic and cerebellar agenesis syndrome. Also called: PANCREATIC AND CEREBELLAR AGENESIS. Identifiers: Orphanet 65288, MedGen C1836780, MONDO:0012192, OMIM 609069.

Allele frequency attached by ClinVar (database versions not stated): gnomAD 0.00010 and 0.00015; TOPMed 0.00021; gnomAD exomes 0.00024; ExAC 0.00030; 1000 Genomes Project 0.00060; 1000 Genomes Project 30x 0.00078.
gnomAD v4.1: 79 of 1,417,766 alleles (0.0056%); highest among the groups gnomAD compares: East Asian, 0.21%; no homozygotes.

Submissions (2):

Labcorp Genetics (formerly Invitae), Labcorp
Classification: Likely benign. Last evaluated: 2026-01-11. Review status: criteria provided, single submitter. Criteria: Invitae Variant Classification Sherloc (09022015). Collection method: clinical testing. Allele origin: germline.

Illumina Laboratory Services, Illumina
Classification: Likely benign for Permanent neonatal diabetes mellitus-pancreatic and cerebellar agenesis syndrome. Last evaluated: 2018-01-13. Review status: criteria provided, single submitter. Criteria: ICSL Variant Classification Criteria 13 December 2019. Collection method: clinical testing. Allele origin: germline.
Comment: This variant was observed in the ICSL laboratory as part of a predisposition screen in an ostensibly healthy population. It had not been previously curated by ICSL or reported in the Human Gene Mutation Database (HGMD: prior to June 1st, 2018), and was therefore a candidate for classification through an automated scoring system. Utilizing variant allele frequency, disease prevalence and penetrance estimates, and inheritance mode, an automated score was calculated to assess if this variant is too frequent to cause the disease. Based on the score and internal cut-off values, a variant classified as likely benign is not then subjected to further curation. The score for this variant resulted in a classification of likely benign for this disease.